The following is an entry in ClinVar:

NM_003611.3(OFD1):c.1300A>G (p.Met434Val)

Gene: OFD1 (OFD1 centriole and centriolar satellite protein; plus strand). Cytogenetic location: Xp22.2.
Variant type: single nucleotide variant.
Coding change: c.1300A>G on transcript NM_003611.3 (MANE Select); coding-DNA position 1300, A replaced by G.
Protein change: p.Met434Val; replaces methionine 434 with valine.
Molecular consequence: missense variant.
Genome position (GRCh38, 1-based): chrX:13,756,656, A>G. VCF-style: chrX-13756656-A-G. GRCh37 (hg19) VCF-style: chrX-13774775-A-G.
Other names: c.1180A>G, p.Met394Val (NM_001330209.2); c.880A>G, p.Met294Val (NM_001330210.2); c.1300A>G (NM_003611.2); short protein forms M394V, M294V, M434V.
Identifiers: ClinVar variation 2174404 (VCV002174404.5), dbSNP rs1191893961, ClinGen allele CA412342682.

ClinVar aggregate classification (germline): Conflicting classifications of pathogenicity. Review status: criteria provided, conflicting classifications (1 of 4 stars). 2 submissions from 2 submitters: Uncertain significance (1); Likely benign (1). Last evaluated 2025-05-25.

Conditions:
Joubert syndrome. Also called: JOUBERT-BOLTSHAUSER SYNDROME; Familial aplasia of the vermis. Identifiers: Orphanet 475, MedGen C5979921, MONDO:0018772.
Orofaciodigital syndrome I (OFD1). Also called: OFDS I; Papillon-Leage and Psaume Syndrome; Oral-Facial-Digital Syndrome Type I. Identifiers: Orphanet 2750, MedGen C1510460, MONDO:0010702, OMIM 311200.
Primary ciliary dyskinesia. Also called: Ciliary dyskinesia. Identifiers: Orphanet 244, MedGen C0008780, MONDO:0016575, HP:0012265.

gnomAD v4.1: 3 of 1,201,790 alleles (0.00025%); highest among the groups gnomAD compares: Middle Eastern, 0.023%; no homozygotes.

Submissions (2):

Ambry Genetics
Classification: Likely benign for Primary ciliary dyskinesia. Last evaluated: 2025-05-25. Review status: criteria provided, single submitter. Criteria: Ambry Variant Classification Scheme 2023. Collection method: clinical testing. Allele origin: germline.

Labcorp Genetics (formerly Invitae), Labcorp
Classification: Uncertain significance for Orofaciodigital syndrome I; Joubert syndrome. Last evaluated: 2022-10-04. Review status: criteria provided, single submitter. Criteria: Invitae Variant Classification Sherloc (09022015). Collection method: clinical testing. Allele origin: germline.
Comment: Algorithms developed to predict the effect of sequence changes on RNA splicing suggest that this variant may create or strengthen a splice site. In summary, the available evidence is currently insufficient to determine the role of this variant in disease. Therefore, it has been classified as a Variant of Uncertain Significance. Advanced modeling of protein sequence and biophysical properties (such as structural, functional, and spatial information, amino acid conservation, physicochemical variation, residue mobility, and thermodynamic stability) has been performed at Invitae for this missense variant, however the output from this modeling did not meet the statistical confidence thresholds required to predict the impact of this variant on OFD1 protein function. This variant has not been reported in the literature in individuals affected with OFD1-related conditions. This variant is present in population databases (no rsID available, gnomAD 0.02%). This sequence change replaces methionine, which is neutral and non-polar, with valine, which is neutral and non-polar, at codon 434 of the OFD1 protein (p.Met434Val).